The following is an entry in ClinVar:

ClinVar aggregate classification (germline): Likely benign. Review status: criteria provided, multiple submitters, no conflicts (2 of 4 stars). 3 submissions from 3 submitters: Likely benign (3). Last evaluated 2026-01-09.

Conditions:
KBG syndrome (KBGS). Also called: ANKRD11-Related KBG Syndrome. Identifiers: Orphanet 2332, MedGen C0220687, MONDO:0007846, OMIM 148050.

Allele frequency attached by ClinVar (database versions not stated): TOPMed 0.00011; ESP Exome Variant Server 0.00015; ExAC 0.00025.
gnomAD v4.1: 695 of 1,613,552 alleles (0.043%); highest among the groups gnomAD compares: Non-Finnish European, 0.054%; 2 homozygotes.

Submissions (3):

Labcorp Genetics (formerly Invitae), Labcorp
Classification: Likely benign for KBG syndrome. Last evaluated: 2026-01-09. Review status: criteria provided, single submitter. Criteria: Invitae Variant Classification Sherloc (09022015). Collection method: clinical testing. Allele origin: germline.

Blueprint Genetics
Classification: Likely benign. Last evaluated: 2024-09-18. Review status: criteria provided, single submitter. Criteria: ACMG Guidelines, 2015. Collection method: clinical testing. Allele origin: germline.

CeGaT Center for Human Genetics Tuebingen
Classification: Likely benign. Last evaluated: 2023-07-01. Review status: criteria provided, single submitter. Criteria: CeGaT Center For Human Genetics Tuebingen Variant Classification Criteria Version 2. Collection method: clinical testing. Allele origin: germline. Affected: yes. Observed: 1 variant allele.
Comment: ANKRD11: BP4, BP7

NM_013275.6(ANKRD11):c.5211C>T (p.Phe1737=)

Gene: ANKRD11 (ankyrin repeat domain 11; minus strand). Cytogenetic location: 16q24.3.
Variant type: single nucleotide variant.
Coding change: c.5211C>T on transcript NM_013275.6 (MANE Select); coding-DNA position 5211, C replaced by T.
Protein change: p.Phe1737=; no amino-acid change (phenylalanine 1737 retained).
Molecular consequence: synonymous variant.
Genome position (GRCh38, 1-based): chr16:89,281,331, G>A on the plus strand (C>T on the coding strand, the complement: ANKRD11 is on the minus strand). VCF-style: chr16-89281331-G-A. GRCh37 (hg19) VCF-style: chr16-89347739-G-A.
Other names: c.5211C>T, p.Phe1737= (NM_001256182.2, NM_001256183.2).
Identifiers: ClinVar variation 747653 (VCV000747653.33), dbSNP rs373155396, ClinGen allele CA8241911.